The following is an entry in ClinVar:

ClinVar aggregate classification (germline): Uncertain significance. Review status: criteria provided, multiple submitters, no conflicts (2 of 4 stars). 2 submissions from 2 submitters: Uncertain significance (2). Last evaluated 2024-08-18.

Conditions:
Pancreatic adenocarcinoma. Identifiers: MedGen C0281361, MONDO:0006047, HP:0006725.

Submissions (2):

Ambry Genetics
Classification: Uncertain significance. Last evaluated: 2024-08-18. Review status: criteria provided, single submitter. Criteria: Ambry Variant Classification Scheme 2023. Collection method: clinical testing. Allele origin: germline.
Comment: The p.A718V variant (also known as c.2153C>T), located in coding exon 11 of the PALLD gene, results from a C to T substitution at nucleotide position 2153. The alanine at codon 718 is replaced by valine, an amino acid with similar properties. This amino acid position is conserved. In addition, the in silico prediction for this alteration is inconclusive. Since supporting evidence is limited at this time, the clinical significance of this alteration remains unclear.

Labcorp Genetics (formerly Invitae), Labcorp
Classification: Uncertain significance for Pancreatic adenocarcinoma. Last evaluated: 2023-09-30. Review status: criteria provided, single submitter. Criteria: Invitae Variant Classification Sherloc (09022015). Collection method: clinical testing. Allele origin: germline.
Comment: In summary, the available evidence is currently insufficient to determine the role of this variant in disease. Therefore, it has been classified as a Variant of Uncertain Significance. An algorithm developed to predict the effect of missense changes on protein structure and function (PolyPhen-2) suggests that this variant is likely to be tolerated. ClinVar contains an entry for this variant (Variation ID: 1786784). This variant has not been reported in the literature in individuals affected with PALLD-related conditions. This variant is not present in population databases (gnomAD no frequency). This sequence change replaces alanine, which is neutral and non-polar, with valine, which is neutral and non-polar, at codon 231 of the PALLD protein (p.Ala231Val).

NM_001166108.2(PALLD):c.2153C>T (p.Ala718Val)

Genes: CBR4 (carbonyl reductase 4; minus strand), PALLD (palladin, cytoskeletal associated protein; plus strand). Cytogenetic location: 4q32.3.
Variant type: single nucleotide variant.
Coding change: c.2153C>T on transcript NM_001166108.2 (MANE Select); coding-DNA position 2153, C replaced by T.
Protein change: p.Ala718Val; replaces alanine 718 with valine.
Molecular consequence: missense variant.
Genome position (GRCh38, 1-based): chr4:168,894,631, C>T. VCF-style: chr4-168894631-C-T. GRCh37 (hg19) VCF-style: chr4-169815782-C-T.
Other names: c.1007C>T, p.Ala336Val (NM_001166109.2); c.692C>T, p.Ala231Val (NM_001166110.2); c.32C>T, p.Ala11Val (NM_001367567.1, NM_001367568.1, NM_001367569.1 and 1 more transcripts); c.2153C>T, p.Ala718Val (NM_016081.4); short protein forms A718V, A231V, A11V, A336V.
Identifiers: ClinVar variation 1786784 (VCV001786784.6), dbSNP rs2533638730, ClinGen allele CA358797730.
Genomic context (GRCh38, chr4:168,894,631, plus strand): 5'-TTGTTTAGAGGTTAACATACGAAGAAAGAATGGCTCGTCGACTGCTAGGTGCTGACAGTG[C>T]AACTGTCTTTAATATTCAGGAGCCAGAAGAGGAAACAGCTAATCAGGTACCATGTTGCTC-3'
Protein context (NP_001159580.1, residues 708-728): MARRLLGADS[Ala718Val]TVFNIQEPEE